The following is an entry in ClinVar:

ClinVar aggregate classification (germline): Uncertain significance. Review status: criteria provided, multiple submitters, no conflicts (2 of 4 stars). 3 submissions from 3 submitters: Uncertain significance (3). Last evaluated 2025-07-29.

Conditions:
SH2B1-related disorder. Also called: SH2B1-related condition.

gnomAD v4.1: 1 of 1,587,564 alleles (0.000063%); highest among the groups gnomAD compares: Non-Finnish European, 0.000086%; no homozygotes.

Submissions (3):

PreventionGenetics, part of Exact Sciences
Classification: Uncertain significance for SH2B1-related condition. Last evaluated: 2025-07-29. Review status: criteria provided, single submitter. Criteria: ACMG Guidelines, 2015. Collection method: clinical testing. Allele origin: germline.
Comment: The SH2B1 c.1481A>G variant is predicted to result in the amino acid substitution p.Tyr494Cys. To our knowledge, this variant has not been reported in the literature. This variant is reported in 0.00090% of alleles in individuals of European (Non-Finnish) descent in gnomAD. At this time, the clinical significance of this variant is uncertain due to the absence of conclusive functional and genetic evidence.

Ambry Genetics
Classification: Uncertain significance. Last evaluated: 2023-10-02. Review status: criteria provided, single submitter. Criteria: Ambry Variant Classification Scheme 2023. Collection method: clinical testing. Allele origin: germline.

GeneDx
Classification: Uncertain significance. Last evaluated: 2023-01-29. Review status: criteria provided, single submitter. Criteria: GeneDx Variant Classification Process June 2021. Collection method: clinical testing. Allele origin: germline. Affected: yes.
Comment: Not observed at significant frequency in large population cohorts (gnomAD); In silico analysis supports that this missense variant does not alter protein structure/function; Has not been previously published as pathogenic or benign to our knowledge

NM_001387430.1(SH2B1):c.1481A>G (p.Tyr494Cys)

Gene: SH2B1 (SH2B adaptor protein 1; plus strand). Cytogenetic location: 16p11.2.
Variant type: single nucleotide variant.
Coding change: c.1481A>G on transcript NM_001387430.1 (MANE Select); coding-DNA position 1481, A replaced by G.
Protein change: p.Tyr494Cys; replaces tyrosine 494 with cysteine.
Molecular consequence: missense variant.
Genome position (GRCh38, 1-based): chr16:28,871,951, A>G. VCF-style: chr16-28871951-A-G. GRCh37 (hg19) VCF-style: chr16-28883272-A-G.
Other names: c.1481A>G, p.Tyr494Cys (NM_001145795.2, NM_001145796.2, NM_001145797.2 and 4 more transcripts); c.473A>G, p.Tyr158Cys (NM_001308294.2); short protein forms Y158C, Y494C.
Identifiers: ClinVar variation 2574243 (VCV002574243.3), dbSNP rs1055635368, ClinGen allele CA395395151.